The following is an entry in ClinVar:

NM_001018113.3(FANCB):c.677T>C (p.Ile226Thr)

Gene: FANCB (FA complementation group B; minus strand). Cytogenetic location: Xp22.2.
Variant type: single nucleotide variant.
Coding change: c.677T>C on transcript NM_001018113.3 (MANE Select); coding-DNA position 677, T replaced by C.
Protein change: p.Ile226Thr; replaces isoleucine 226 with threonine.
Molecular consequence: missense variant.
Genome position (GRCh38, 1-based): chrX:14,864,834, A>G on the plus strand (T>C on the coding strand, the complement: FANCB is on the minus strand). VCF-style: chrX-14864834-A-G. GRCh37 (hg19) VCF-style: chrX-14882956-A-G.
Other names: c.677T>C, p.Ile226Thr (NM_001324162.2, NM_152633.4); short protein forms I226T.
Identifiers: ClinVar variation 1037531 (VCV001037531.8), dbSNP rs1275915380, ClinGen allele CA412443955.
Genomic context (GRCh38, chrX:14,864,834, plus strand): 5'-TCAGTTGCACAAATATGTACATAAGTCACCACACTGCTGTAAGCAGGAGGAATAATGTAT[A>G]TATCACTTAATACTTCTTGACTTTCAAGAGAATATACACAAAATTTGGTATTCCAAATTG-3'
Protein context (NP_001018123.1, residues 216-236): SLESQEVLSD[Ile226Thr]YIIPPAYSSV

ClinVar aggregate classification (germline): Uncertain significance (1 of 4 stars; one submission).

Conditions:
Fanconi anemia (FA). Also called: Fanconi's anemia. Identifiers: Orphanet 84, MedGen C0015625, MeSH D005199, MONDO:0019391.

Allele frequency attached by ClinVar (database versions not stated): gnomAD 0.00003; gnomAD exomes 0.00003 and 0.00001; TOPMed 0.00002.
gnomAD v4.1: 30 of 1,207,185 alleles (0.0025%); highest among the groups gnomAD compares: Non-Finnish European, 0.0031%; no homozygotes.

Submission:

Labcorp Genetics (formerly Invitae), Labcorp
Classification: Uncertain significance for Fanconi anemia. Last evaluated: 2025-06-06. Review status: criteria provided, single submitter. Criteria: Invitae Variant Classification Sherloc (09022015). Collection method: clinical testing. Allele origin: germline.
Comment: This sequence change replaces isoleucine, which is neutral and non-polar, with threonine, which is neutral and polar, at codon 226 of the FANCB protein (p.Ile226Thr). This variant is present in population databases (no rsID available, gnomAD 0.001%). This variant has not been reported in the literature in individuals affected with FANCB-related conditions. ClinVar contains an entry for this variant (Variation ID: 1037531). Invitae Evidence Modeling of protein sequence and biophysical properties (such as structural, functional, and spatial information, amino acid conservation, physicochemical variation, residue mobility, and thermodynamic stability) indicates that this missense variant is not expected to disrupt FANCB protein function with a negative predictive value of 80%. In summary, the available evidence is currently insufficient to determine the role of this variant in disease. Therefore, it has been classified as a Variant of Uncertain Significance.